The following is an entry in ClinVar:

NM_201384.3(PLEC):c.4795G>A (p.Glu1599Lys)

Gene: PLEC (plectin; minus strand). Cytogenetic location: 8q24.3.
Variant type: single nucleotide variant.
Coding change: c.4795G>A on transcript NM_201384.3 (MANE Select); coding-DNA position 4795, G replaced by A.
Protein change: p.Glu1599Lys; replaces glutamic acid 1599 with lysine.
Molecular consequence: missense variant.
Genome position (GRCh38, 1-based): chr8:143,925,134, C>T on the plus strand (G>A on the coding strand, the complement: PLEC is on the minus strand). VCF-style: chr8-143925134-C-T. GRCh37 (hg19) VCF-style: chr8-144999302-C-T.
Other names: c.4876G>A (NM_000445.3); c.4876G>A, p.Glu1626Lys (NM_000445.5); c.4753G>A, p.Glu1585Lys (NM_201378.4); c.4729G>A, p.Glu1577Lys (NM_201379.3); c.5206G>A, p.Glu1736Lys (NM_201380.4); c.4699G>A, p.Glu1567Lys (NM_201381.3); c.4795G>A, p.Glu1599Lys (NM_201382.4); c.4807G>A, p.Glu1603Lys (NM_201383.3); short protein forms E1577K, E1599K, E1603K, E1736K, E1567K, E1585K, E1626K.
Identifiers: ClinVar variation 573120 (VCV000573120.16), dbSNP rs782412083, ClinGen allele CA4926536.
Genomic context (GRCh38, chr8:143,925,134, plus strand): 5'-CGGCCTGCTGCTGTGCCCGCCGCTCAGCCTCCTCCCGCAGCTGTGCCACAGCCACGTGTT[C>T]CTCCTGCAGGGAGCGCTCCAGCTGTGCCGTCTTCTCGGCGAAGGAGGCGCGTTTGCTCTG-3'
Protein context (NP_958786.1, residues 1589-1609): TAQLERSLQE[Glu1599Lys]HVAVAQLREE

ClinVar aggregate classification (germline): Uncertain significance. Review status: criteria provided, multiple submitters, no conflicts (2 of 4 stars). 4 submissions from 4 submitters: Uncertain significance (4). Last evaluated 2025-10-08.

Conditions:
Epidermolysis bullosa simplex 5C, with pyloric atresia (EBS5C). Also called: PLEC-Related Epidermolysis Bullosa with Pyloric Atresia; Epidermolysis bullosa simplex with pyloric atresia; PLEC1-Related Epidermolysis Bullosa with Pyloric Atresia. Identifiers: Orphanet 158684, MedGen C2677349, MONDO:0012807, OMIM 612138.
Epidermolysis bullosa simplex with nail dystrophy (EBS5D). Identifiers: MedGen C4225309, MONDO:0014661, OMIM 616487.
Epidermolysis bullosa simplex 5B, with muscular dystrophy (EBS5B). Also called: Epidermolysis bullosa simplex with muscular dystrophy; EPIDERMOLYSIS BULLOSA SIMPLEX AND LIMB-GIRDLE MUSCULAR DYSTROPHY. Identifiers: Orphanet 257, MedGen C2931072, MONDO:0009181, OMIM 226670.
Autosomal recessive limb-girdle muscular dystrophy type 2Q (LGMDR17). Also called: MUSCULAR DYSTROPHY, LIMB-GIRDLE, AUTOSOMAL RECESSIVE 17. Identifiers: Orphanet 254361, MedGen C3150989, MONDO:0013390, OMIM 613723.
Epidermolysis bullosa simplex, Ogna type (EBS5A). Also called: Pidermolysis bullosa simplex 5A, Ogna type; EPIDERMOLYSIS BULLOSA SIMPLEX 5A, OGNA TYPE. Identifiers: Orphanet 79401, MedGen C0432317, MONDO:0007555, OMIM 131950.
Inborn genetic diseases. Identifiers: MedGen C0950123, MeSH D030342.

Allele frequency attached by ClinVar (database versions not stated): gnomAD exomes 0.00013; ExAC 0.00015; gnomAD 0.00038; TOPMed 0.00042.
gnomAD v4.1: 133 of 1,558,926 alleles (0.0085%); highest among the groups gnomAD compares: African/African-American, 0.12%; no homozygotes.

Submissions (4):

Labcorp Genetics (formerly Invitae), Labcorp
Classification: Uncertain significance for Autosomal recessive limb-girdle muscular dystrophy type 2Q; Epidermolysis bullosa simplex, Ogna type; Epidermolysis bullosa simplex with nail dystrophy; Epidermolysis bullosa simplex 5C, with pyloric atresia; Epidermolysis bullosa simplex 5B, with muscular dystrophy. Last evaluated: 2025-10-08. Review status: criteria provided, single submitter. Criteria: Invitae Variant Classification Sherloc (09022015). Collection method: clinical testing. Allele origin: germline.
Comment: This sequence change replaces glutamic acid, which is acidic and polar, with lysine, which is basic and polar, at codon 1626 of the PLEC protein (p.Glu1626Lys). This variant is present in population databases (rs782412083, gnomAD 0.1%). This variant has not been reported in the literature in individuals affected with PLEC-related conditions. ClinVar contains an entry for this variant (Variation ID: 573120). Experimental studies and prediction algorithms are not available or were not evaluated, and the functional significance of this variant is currently unknown. In summary, the available evidence is currently insufficient to determine the role of this variant in disease. Therefore, it has been classified as a Variant of Uncertain Significance.

Ambry Genetics
Classification: Uncertain significance for Inborn genetic diseases. Last evaluated: 2025-04-09. Review status: criteria provided, single submitter. Criteria: Ambry Variant Classification Scheme 2023. Collection method: clinical testing. Allele origin: germline.

Revvity Omics, Revvity
Classification: Uncertain significance. Last evaluated: 2024-06-07. Review status: criteria provided, single submitter. Criteria: ACMG Guidelines, 2015. Collection method: clinical testing. Allele origin: germline.

Eurofins Ntd Llc (ga)
Classification: Uncertain significance. Last evaluated: 2017-09-14. Review status: criteria provided, single submitter. Criteria: EGL Classification Definitions 2015. Collection method: clinical testing. Allele origin: germline. Observed: 2 variant alleles, 2 heterozygotes.